The following is an entry in ClinVar:

NM_015958.3(DPH5):c.21G>C (p.Leu7Phe)

Genes: DPH5 (diphthamide biosynthesis 5; minus strand), LOC126805809 (CDK7 strongly-dependent group 2 enhancer GRCh37_chr1:101490870-101492069; plus strand). Cytogenetic location: 1p21.2.
Variant type: single nucleotide variant.
Coding change: c.21G>C on transcript NM_015958.3 (MANE Select); coding-DNA position 21, G replaced by C.
Protein change: p.Leu7Phe; replaces leucine 7 with phenylalanine.
Molecular consequence: missense variant.
Genome position (GRCh38, 1-based): chr1:101,025,423, C>G on the plus strand (G>C on the coding strand, the complement: DPH5 is on the minus strand). VCF-style: chr1-101025423-C-G. GRCh37 (hg19) VCF-style: chr1-101490979-C-G.
Other names: c.21G>C, p.Leu7Phe (NM_001077394.2, NM_001077395.2); short protein forms L7F.
Identifiers: ClinVar variation 4854160 (VCV004854160.1).

ClinVar aggregate classification (germline): Uncertain significance (1 of 4 stars; one submission).

Conditions:
Neurodevelopmental disorder with short stature, prominent forehead, and feeding difficulties (NEDSFF). Also called: DPH5-related diphthamide-deficiency syndrome. Identifiers: MedGen C5774228, MONDO:0859295, OMIM 620070.

gnomAD v4.1: 4 of 1,614,140 alleles (0.00025%); highest among the groups gnomAD compares: East Asian, 0.0089%; no homozygotes.

Submission:

3billion
Classification: Uncertain significance for Neurodevelopmental disorder with short stature, prominent forehead, and feeding difficulties. Last evaluated: 2025-09-28. Review status: criteria provided, single submitter. Criteria: ACMG Guidelines, 2015. Collection method: clinical testing. Allele origin: germline. Affected: yes.
Comment: The variant is observed at an extremely low frequency in the gnomAD v4.1.0 dataset (total allele frequency: <0.001%). Predicted Consequence/Location: Missense variant In silico tool predictions suggest damaging effect of the variant on gene or gene product [REVEL: 0.68 (>=0.6, sensitivity 0.68 and specificity 0.92); 3Cnet: 0.80 (> 0.75, sensitivity 0.96 and precision 0.92)]. Therefore, this variant is classified as VUS according to the recommendation of ACMG/AMP guideline.